The following is an entry in ClinVar:

NM_000198.4(HSD3B2):c.965C>A (p.Ser322Ter)

Gene: HSD3B2 (hydroxy-delta-5-steroid dehydrogenase, 3 beta- and steroid delta-isomerase 2; plus strand). Cytogenetic location: 1p12.
Variant type: single nucleotide variant.
Coding change: c.965C>A on transcript NM_000198.4 (MANE Select); coding-DNA position 965, C replaced by A.
Protein change: p.Ser322Ter; replaces serine 322 with a stop codon.
Molecular consequence: nonsense.
Genome position (GRCh38, 1-based): chr1:119,422,466, C>A. VCF-style: chr1-119422466-C-A. GRCh37 (hg19) VCF-style: chr1-119965089-C-A.
Other names: c.965C>A (NM_000198.3); c.965C>A, p.Ser322Ter (NM_001166120.2); short protein forms S322*.
Identifiers: ClinVar variation 1073403 (VCV001073403.10), dbSNP rs2101350819, ClinGen allele CA341399081.

ClinVar aggregate classification (germline): Pathogenic/Likely pathogenic. Review status: criteria provided, multiple submitters, no conflicts (2 of 4 stars). 2 submissions from 2 submitters: Pathogenic (1); Likely pathogenic (1). Last evaluated 2025-09-29.

Conditions:
3 beta-Hydroxysteroid dehydrogenase deficiency. Also called: 3-BETA-HSD DEFICIENCY; ADRENAL HYPERPLASIA II; ADRENAL HYPERPLASIA, CONGENITAL, DUE TO 3-BETA-HYDROXYSTEROID DEHYDROGENASE 2 DEFICIENCY; Congenital adrenal hyperplasia due to 3-beta-hydroxysteroid dehydrogenase deficiency; 3b-hydroxysteroid dehydrogenase deficiency. Identifiers: Orphanet 90791, MedGen C0342471, MeSH C538236, MONDO:0008727, OMIM 201810. Disease mechanism: loss of function.

Submissions (2):

Natera, Inc.
Classification: Likely pathogenic for 3 beta hydroxysteroid dehydrogenase deficiency. Last evaluated: 2025-09-29. Review status: criteria provided, single submitter. Criteria: Natera Variant Classification Schema (03/2026). Collection method: clinical testing. Allele origin: germline.
Comment: The c.965C>A variant in HSD3B2 is a nonsense variant predicted to introduce a stop codon at amino acid 322. This variant is expected to result in nonsense mediated decay, truncation, or a dysfunctional protein product. This variant is rare in the general population with a frequency below the threshold expected for the associated phenotype(s). Given the available evidence, this variant is classified as Likely Pathogenic.

Labcorp Genetics (formerly Invitae), Labcorp
Classification: Pathogenic. Last evaluated: 2020-08-26. Review status: criteria provided, single submitter. Criteria: Invitae Variant Classification Sherloc (09022015). Collection method: clinical testing. Allele origin: germline.
Comment: For these reasons, this variant has been classified as Pathogenic. This variant disrupts the C-terminus of the HSD3B2 protein. Other variant(s) that disrupt this region (p.Arg335*) have been determined to be pathogenic (PMID: 18252794, 31006099). This suggests that variants that disrupt this region of the protein are likely to be causative of disease. This variant has not been reported in the literature in individuals with HSD3B2-related conditions. This variant is not present in population databases (ExAC no frequency). This sequence change results in a premature translational stop signal in the HSD3B2 gene (p.Ser322*). While this is not anticipated to result in nonsense mediated decay, it is expected to disrupt the last 51 amino acids of the HSD3B2 protein.

Literature cited by the submitters: PubMed 18252794 (cited by Labcorp Genetics (formerly Invitae), Labcorp); PubMed 31006099 (cited by Labcorp Genetics (formerly Invitae), Labcorp).